The following is an entry in ClinVar:

NM_001036.6(RYR3):c.14218G>C (p.Asp4740His)

Genes: AVEN (apoptosis and caspase activation inhibitor; minus strand), RYR3 (ryanodine receptor 3; plus strand). Cytogenetic location: 15q14.
Variant type: single nucleotide variant.
Coding change: c.14218G>C on transcript NM_001036.6 (MANE Select); coding-DNA position 14218, G replaced by C.
Protein change: p.Asp4740His; replaces aspartic acid 4740 with histidine.
Molecular consequence: missense variant.
Genome position (GRCh38, 1-based): chr15:33,859,650, G>C. VCF-style: chr15-33859650-G-C. GRCh37 (hg19) VCF-style: chr15-34151851-G-C.
Other names: c.14203G>C, p.Asp4735His (NM_001243996.4); short protein forms D4735H, D4740H.
Identifiers: ClinVar variation 732264 (VCV000732264.19), dbSNP rs569879011, ClinGen allele CA7461956.
Genomic context (GRCh38, chr15:33,859,650, plus strand): 5'-ATGTACGTGGGAGTGAGAGCAGGAGGTGGCATTGGTGATGAAATTGAAGACCCTGCTGGT[G>C]ATCCTTATGAAATGTATCGCATTGTCTTTGACATTACCTTTTTCTTCTTCGTCATTGTCA-3'
Protein context (NP_001027.3, residues 4730-4750): IGDEIEDPAG[Asp4740His]PYEMYRIVFD

ClinVar aggregate classification (germline): Conflicting classifications of pathogenicity. Review status: criteria provided, conflicting classifications (1 of 4 stars). 2 submissions from 2 submitters: Uncertain significance (1); Likely benign (1). Last evaluated 2024-07-01.

Allele frequency attached by ClinVar (database versions not stated): gnomAD below 0.00001 and 0.00011; TOPMed 0.00003; gnomAD exomes 0.00048; ExAC 0.00050.
gnomAD v4.1: 369 of 1,613,854 alleles (0.023%); highest among the groups gnomAD compares: South Asian, 0.38%; 2 homozygotes.

Submissions (2):

CeGaT Center for Human Genetics Tuebingen
Classification: Uncertain significance. Last evaluated: 2024-07-01. Review status: criteria provided, single submitter. Criteria: CeGaT Center For Human Genetics Tuebingen Variant Classification Criteria Version 2. Collection method: clinical testing. Allele origin: germline. Affected: yes. Observed: 1 variant allele.
Comment: RYR3: PP3

Labcorp Genetics (formerly Invitae), Labcorp
Classification: Likely benign. Last evaluated: 2018-04-24. Review status: criteria provided, single submitter. Criteria: Invitae Variant Classification Sherloc (09022015). Collection method: clinical testing. Allele origin: germline.